The following is an entry in ClinVar:

ClinVar aggregate classification (germline): Uncertain significance (1 of 4 stars; one submission).

Conditions:
Lysinuric protein intolerance (LPI). Identifiers: Orphanet 470, MedGen C0268647, MONDO:0009109, OMIM 222700.

gnomAD v4.1: 13 of 1,613,334 alleles (0.00081%); highest among the groups gnomAD compares: Admixed American, 0.0033%; no homozygotes.

Submission:

3billion
Classification: Uncertain significance for Lysinuric protein intolerance. Last evaluated: 2025-03-06. Review status: criteria provided, single submitter. Criteria: ACMG Guidelines, 2015. Collection method: clinical testing. Allele origin: germline. Affected: yes.
Comment: The variant is observed at an extremely low frequency in the gnomAD v4.1.0 dataset (total allele frequency: <0.001%). Predicted Consequence/Location: Intron variant In silico tools predict the variant to alter splicing and produce an abnormal transcript [SpliceAI: 0.86 (>=0.2, moderate evidence for spliceogenicity)]. Therefore, this variant is classified as VUS according to the recommendation of ACMG/AMP guideline.

NM_003982.4(SLC7A7):c.626-17A>G

Gene: SLC7A7 (solute carrier family 7 member 7; minus strand). Cytogenetic location: 14q11.2.
Variant type: single nucleotide variant.
Coding change: c.626-17A>G on transcript NM_003982.4 (MANE Select); 17 bases into the intron before coding-DNA position 626, A replaced by G.
Molecular consequence: intron variant.
Genome position (GRCh38, 1-based): chr14:22,778,954, T>C on the plus strand (A>G on the coding strand, the complement: SLC7A7 is on the minus strand). VCF-style: chr14-22778954-T-C. GRCh37 (hg19) VCF-style: chr14-23248163-T-C.
Other names: c.626-17A>G (NM_001126106.4, NM_001126105.3).
Identifiers: ClinVar variation 4293084 (VCV004293084.1).